The following is an entry in ClinVar:

ClinVar aggregate classification (germline): Uncertain significance. Review status: criteria provided, multiple submitters, no conflicts (2 of 4 stars). 2 submissions from 2 submitters: Uncertain significance (2). Last evaluated 2025-06-10.

Allele frequency attached by ClinVar (database versions not stated): gnomAD 0.00001; TOPMed 0.00001.
gnomAD v4.1: 5 of 1,604,170 alleles (0.00031%); highest among the groups gnomAD compares: Non-Finnish European, 0.00043%; no homozygotes.

Submissions (2):

GeneDx
Classification: Uncertain significance. Last evaluated: 2025-06-10. Review status: criteria provided, single submitter. Criteria: GeneDx Variant Classification Process June 2021. Collection method: clinical testing. Allele origin: germline. Affected: yes.
Comment: Not observed at significant frequency in large population cohorts (gnomAD); In silico analysis supports that this missense variant has a deleterious effect on protein structure/function; Has not been previously published as pathogenic or benign to our knowledge; In silico analysis suggests this variant may impact gene splicing. In the absence of RNA/functional studies, the actual effect of this sequence change is unknown.

Labcorp Genetics (formerly Invitae), Labcorp
Classification: Uncertain significance. Last evaluated: 2022-04-02. Review status: criteria provided, single submitter. Criteria: Invitae Variant Classification Sherloc (09022015). Collection method: clinical testing. Allele origin: germline.
Comment: In summary, the available evidence is currently insufficient to determine the role of this variant in disease. Therefore, it has been classified as a Variant of Uncertain Significance. Algorithms developed to predict the effect of sequence changes on RNA splicing suggest that this variant may create or strengthen a splice site. Algorithms developed to predict the effect of missense changes on protein structure and function are either unavailable or do not agree on the potential impact of this missense change (SIFT: "Deleterious"; PolyPhen-2: "Possibly Damaging"; Align-GVGD: "Class C0"). This variant has not been reported in the literature in individuals affected with VPS13A-related conditions. This variant is not present in population databases (gnomAD no frequency). This sequence change replaces aspartic acid, which is acidic and polar, with valine, which is neutral and non-polar, at codon 942 of the VPS13A protein (p.Asp942Val).

NM_033305.3(VPS13A):c.2825A>T (p.Asp942Val)

Gene: VPS13A (vacuolar protein sorting 13 homolog A; plus strand). Cytogenetic location: 9q21.2.
Variant type: single nucleotide variant.
Coding change: c.2825A>T on transcript NM_033305.3 (MANE Select); coding-DNA position 2825, A replaced by T.
Protein change: p.Asp942Val; replaces aspartic acid 942 with valine.
Molecular consequence: missense variant.
Genome position (GRCh38, 1-based): chr9:77,280,159, A>T. VCF-style: chr9-77280159-A-T. GRCh37 (hg19) VCF-style: chr9-79895075-A-T.
Other names: c.2825A>T, p.Asp942Val (NM_001018037.2, NM_001018038.3, NM_015186.4); c.2825A>T (NM_033305.2); short protein forms D942V.
Identifiers: ClinVar variation 2120837 (VCV002120837.5), dbSNP rs769962967, ClinGen allele CA373845942.